The following is an entry in ClinVar:

NM_001349253.2(SCN11A):c.3929A>G (p.Asn1310Ser)

Gene: SCN11A (sodium voltage-gated channel alpha subunit 11; minus strand). Cytogenetic location: 3p22.2.
Variant type: single nucleotide variant.
Coding change: c.3929A>G on transcript NM_001349253.2 (MANE Select); coding-DNA position 3929, A replaced by G.
Protein change: p.Asn1310Ser; replaces asparagine 1310 with serine.
Molecular consequence: missense variant.
Genome position (GRCh38, 1-based): chr3:38,867,343, T>C on the plus strand (A>G on the coding strand, the complement: SCN11A is on the minus strand). VCF-style: chr3-38867343-T-C. GRCh37 (hg19) VCF-style: chr3-38908834-T-C.
Other names: c.3929A>G, p.Asn1310Ser (NM_014139.3); short protein forms N1310S.
Identifiers: ClinVar variation 1736244 (VCV001736244.2), dbSNP rs2065056537, ClinGen allele CA352169144.
Genomic context (GRCh38, chr3:38,867,343, plus strand): 5'-AGATAAAATTACCAAATCAAGACAACCCAGATACTTATCTTTTTCTGCTGTTGGTTGAAG[T>C]TGTCAATGATAACGCCAATGAAGAGATTCAGAGTGAAGAATGAGCCAAAGATGATAAAGA-3'
Protein context (NP_001336182.1, residues 1300-1320): LNLFIGVIID[Asn1310Ser]FNQQQKKLGG

ClinVar aggregate classification (germline): Uncertain significance (1 of 4 stars; one submission).

Conditions:
Inborn genetic diseases. Identifiers: MedGen C0950123, MeSH D030342.

Allele frequency attached by ClinVar (database versions not stated): TOPMed below 0.00001.

Submission:

Ambry Genetics
Classification: Uncertain significance for Inborn genetic diseases. Last evaluated: 2019-12-19. Review status: criteria provided, single submitter. Criteria: Ambry Variant Classification Scheme 2023. Collection method: clinical testing. Allele origin: germline.
Comment: The p.N1310S variant (also known as c.3929A>G), located in coding exon 23 of the SCN11A gene, results from an A to G substitution at nucleotide position 3929. The asparagine at codon 1310 is replaced by serine, an amino acid with highly similar properties. This amino acid position is highly conserved in available vertebrate species. In addition, the in silico prediction for this alteration is inconclusive. Since supporting evidence is limited at this time, the clinical significance of this alteration remains unclear.